The following is an entry in ClinVar:

NM_004429.5(EFNB1):c.406+10G>A

Gene: EFNB1 (ephrin B1; plus strand). Cytogenetic location: Xq13.1.
Variant type: single nucleotide variant.
Coding change: c.406+10G>A on transcript NM_004429.5 (MANE Select); 10 bases into the intron after coding-DNA position 406, G replaced by A.
Molecular consequence: intron variant.
Genome position (GRCh38, 1-based): chrX:68,838,904, G>A. VCF-style: chrX-68838904-G-A. GRCh37 (hg19) VCF-style: chrX-68058747-G-A.
Identifiers: ClinVar variation 4981572 (VCV004981572.1).

ClinVar aggregate classification (germline): Likely benign (1 of 4 stars; one submission).

Conditions:
EFNB1-related disorder. Also called: EFNB1-related condition.

gnomAD v4.1: 38 of 1,189,596 alleles (0.0032%); highest among the groups gnomAD compares: Admixed American, 0.014%; no homozygotes.

Submission:

PreventionGenetics, part of Exact Sciences
Classification: Likely benign for EFNB1-related condition. Last evaluated: 2025-12-11. Review status: criteria provided, single submitter. Criteria: ACMG Guidelines, 2015. Collection method: clinical testing. Allele origin: germline.
Comment: This variant is classified as likely benign based on ACMG/AMP sequence variant interpretation guidelines (Richards et al. 2015 PMID: 25741868, with internal and published modifications).